The following is an entry in ClinVar:

NC_000014.8:g.(?_102463352)_(102469322_?)del

Gene: DYNC1H1 (dynein cytoplasmic 1 heavy chain 1; plus strand). Cytogenetic location: 14q32.31.
Variant type: Deletion.
Identifiers: ClinVar variation 2424154 (VCV002424154.4).

ClinVar aggregate classification (germline): Uncertain significance (1 of 4 stars; one submission).

Conditions:
Charcot-Marie-Tooth disease axonal type 2O. Also called: CHARCOT-MARIE-TOOTH NEUROPATHY, AXONAL, TYPE 2O; CHARCOT-MARIE-TOOTH DISEASE, AXONAL, AUTOSOMAL DOMINANT, TYPE 2O; Charcot-Marie-Tooth Neuropathy Type 2O; Charcot-Marie-Tooth disease, axonal, type 20. Identifiers: Orphanet 284232, MedGen C3280220, MONDO:0013644, OMIM 614228.

Submission:

Labcorp Genetics (formerly Invitae), Labcorp
Classification: Uncertain significance for Charcot-Marie-Tooth disease axonal type 2O. Last evaluated: 2023-07-07. Review status: criteria provided, single submitter. Criteria: Invitae Variant Classification Sherloc (09022015). Collection method: clinical testing. Allele origin: germline.
Comment: In summary, the available evidence is currently insufficient to determine the role of this variant in disease. Therefore, it has been classified as a Variant of Uncertain Significance. This variant has not been reported in the literature in individuals affected with DYNC1H1-related conditions. This variant is a gross deletion of the genomic region encompassing exon(s) 16-23 of the DYNC1H1 gene. This deletion is out-of-frame, and is expected to create a premature translational stop signal and result in an absent or disrupted protein product. However, the current clinical and genetic evidence is not sufficient to establish whether loss-of-function variants in DYNC1H1 cause disease.